The following is an entry in ClinVar:

NM_001103.4(ACTN2):c.1244C>G (p.Thr415Ser)

Gene: ACTN2 (actinin alpha 2; plus strand). Cytogenetic location: 1q43.
Variant type: single nucleotide variant.
Coding change: c.1244C>G on transcript NM_001103.4 (MANE Select); coding-DNA position 1244, C replaced by G.
Protein change: p.Thr415Ser; replaces threonine 415 with serine.
Molecular consequence: missense variant. On other transcripts: non-coding transcript variant (1).
Genome position (GRCh38, 1-based): chr1:236,743,032, C>G. VCF-style: chr1-236743032-C-G. GRCh37 (hg19) VCF-style: chr1-236906332-C-G.
Other names: c.1244C>G, p.Thr415Ser (NM_001278343.2); short protein forms T415S.
Identifiers: ClinVar variation 4789208 (VCV004789208.1).

ClinVar aggregate classification (germline): Uncertain significance (1 of 4 stars; one submission).

Conditions:
Dilated cardiomyopathy 1AA (CMD1AA). Also called: CARDIOMYOPATHY, DILATED, 1AA, WITH OR WITHOUT LEFT VENTRICULAR NONCOMPACTION; CARDIOMYOPATHY, FAMILIAL HYPERTROPHIC, 23, WITH OR WITHOUT LEFT VENTRICULAR NONCOMPACTION; Cardiomyopathy, dilated, 1AA, with or without LVNC. Identifiers: Orphanet 154, MedGen C2677338, MONDO:0012808, OMIM 612158.
Primary familial hypertrophic cardiomyopathy (HCM). Identifiers: Orphanet 99739, MedGen C0949658, MeSH D024741, MONDO:0024573. Inheritance: Various modes of inheritance.

Submission:

Labcorp Genetics (formerly Invitae), Labcorp
Classification: Uncertain significance for Primary familial hypertrophic cardiomyopathy; Dilated cardiomyopathy 1AA. Last evaluated: 2025-10-27. Review status: criteria provided, single submitter. Criteria: Invitae Variant Classification Sherloc (09022015). Collection method: clinical testing. Allele origin: germline.
Comment: This sequence change replaces threonine, which is neutral and polar, with serine, which is neutral and polar, at codon 415 of the ACTN2 protein (p.Thr415Ser). This variant is not present in population databases (gnomAD no frequency). This variant has not been reported in the literature in individuals affected with ACTN2-related conditions. Invitae Evidence Modeling of protein sequence and biophysical properties (such as structural, functional, and spatial information, amino acid conservation, physicochemical variation, residue mobility, and thermodynamic stability) indicates that this missense variant is not expected to disrupt ACTN2 protein function with a negative predictive value of 80%. In summary, the available evidence is currently insufficient to determine the role of this variant in disease. Therefore, it has been classified as a Variant of Uncertain Significance.